The following is an entry in ClinVar:

NM_017636.4(TRPM4):c.3184C>A (p.Arg1062Ser)

Gene: TRPM4 (transient receptor potential cation channel subfamily M member 4; plus strand). Cytogenetic location: 19q13.33.
Variant type: single nucleotide variant.
Coding change: c.3184C>A on transcript NM_017636.4 (MANE Select); coding-DNA position 3184, C replaced by A.
Protein change: p.Arg1062Ser; replaces arginine 1062 with serine.
Molecular consequence: missense variant.
Genome position (GRCh38, 1-based): chr19:49,210,261, C>A. VCF-style: chr19-49210261-C-A. GRCh37 (hg19) VCF-style: chr19-49713518-C-A.
Other names: c.2749C>A, p.Arg917Ser (NM_001195227.2); c.2839C>A, p.Arg947Ser (NM_001321281.2); c.1576C>A, p.Arg526Ser (NM_001321282.2); c.2662C>A, p.Arg888Ser (NM_001321283.2); c.2122C>A, p.Arg708Ser (NM_001321285.2); short protein forms R947S, R1062S, R526S, R708S, R888S, R917S.
Identifiers: ClinVar variation 843915 (VCV000843915.10), dbSNP rs375523320, ClinGen allele CA9569808.

ClinVar aggregate classification (germline): Uncertain significance. Review status: criteria provided, multiple submitters, no conflicts (2 of 4 stars). 2 submissions from 2 submitters: Uncertain significance (2). Last evaluated 2024-05-06.

Conditions:
Progressive familial heart block type IB (PFHB1B). Identifiers: Orphanet 871, MedGen C1970298, MONDO:0011474, OMIM 604559.
Cardiovascular phenotype. Identifiers: MedGen CN230736.

gnomAD v4.1: 2 of 1,614,228 alleles (0.00012%); highest among the groups gnomAD compares: Non-Finnish European, 0.000085%; no homozygotes.

Submissions (2):

Ambry Genetics
Classification: Uncertain significance for Cardiovascular phenotype. Last evaluated: 2024-05-06. Review status: criteria provided, single submitter. Criteria: Ambry Variant Classification Scheme 2023. Collection method: clinical testing. Allele origin: germline.
Comment: The p.R1062S variant (also known as c.3184C>A), located in coding exon 21 of the TRPM4 gene, results from a C to A substitution at nucleotide position 3184. The arginine at codon 1062 is replaced by serine, an amino acid with dissimilar properties. This amino acid position is conserved. In addition, this alteration is predicted to be deleterious by in silico analysis. Based on the available evidence, the clinical significance of this variant remains unclear.

Labcorp Genetics (formerly Invitae), Labcorp
Classification: Uncertain significance for Progressive familial heart block type IB. Last evaluated: 2019-12-15. Review status: criteria provided, single submitter. Criteria: Invitae Variant Classification Sherloc (09022015). Collection method: clinical testing. Allele origin: germline.
Comment: This variant has not been reported in the literature in individuals with TRPM4-related conditions. This variant is present in population databases (rs375523320, ExAC 0.001%). This sequence change replaces arginine with serine at codon 1062 of the TRPM4 protein (p.Arg1062Ser). The arginine residue is highly conserved and there is a moderate physicochemical difference between arginine and serine. Algorithms developed to predict the effect of missense changes on protein structure and function are either unavailable or do not agree on the potential impact of this missense change (SIFT: "Deleterious"; PolyPhen-2: "Probably Damaging"; Align-GVGD: "Class C0"). In summary, the available evidence is currently insufficient to determine the role of this variant in disease. Therefore, it has been classified as a Variant of Uncertain Significance.